The following is an entry in ClinVar:

ClinVar aggregate classification (germline): Uncertain significance (1 of 4 stars; one submission).

Submission:

Labcorp Genetics (formerly Invitae), Labcorp
Classification: Uncertain significance. Last evaluated: 2021-09-01. Review status: criteria provided, single submitter. Criteria: Invitae Variant Classification Sherloc (09022015). Collection method: clinical testing. Allele origin: germline.
Comment: This sequence change replaces alanine with threonine at codon 95 of the MERTK protein (p.Ala95Thr). The alanine residue is highly conserved and there is a small physicochemical difference between alanine and threonine. This variant is not present in population databases (ExAC no frequency). This variant has not been reported in the literature in individuals affected with MERTK-related conditions. Algorithms developed to predict the effect of missense changes on protein structure and function are either unavailable or do not agree on the potential impact of this missense change (SIFT: "Deleterious"; PolyPhen-2: "Benign"; Align-GVGD: "Class C55"). In summary, the available evidence is currently insufficient to determine the role of this variant in disease. Therefore, it has been classified as a Variant of Uncertain Significance.

NM_006343.3(MERTK):c.283G>A (p.Ala95Thr)

Gene: MERTK (MER proto-oncogene, tyrosine kinase; plus strand). Cytogenetic location: 2q13.
Variant type: single nucleotide variant.
Coding change: c.283G>A on transcript NM_006343.3 (MANE Select); coding-DNA position 283, G replaced by A.
Protein change: p.Ala95Thr; replaces alanine 95 with threonine.
Molecular consequence: missense variant.
Genome position (GRCh38, 1-based): chr2:111,929,341, G>A. VCF-style: chr2-111929341-G-A. GRCh37 (hg19) VCF-style: chr2-112686918-G-A.
Other names: short protein forms A95T.
Identifiers: ClinVar variation 1383385 (VCV001383385.5), dbSNP rs2104686613, ClinGen allele CA348226295.
Genomic context (GRCh38, chr2:111,929,341, plus strand): 5'-ACAGGAAACGTAGCCATTCCCCAGGTGACCTCTGTCGAATCAAAGCCCCTACCGCCTCTT[G>A]CCTTCAAACACACAGTTGGACACATAATACTTTCTGAACATAAAGGTGTCAAATTTAATT-3'
Protein context (NP_006334.2, residues 85-105): SVESKPLPPL[Ala95Thr]FKHTVGHIIL